The following is an entry in ClinVar:

ClinVar aggregate classification (germline): Uncertain significance (1 of 4 stars; one submission).

Conditions:
Juvenile idiopathic arthritis. Identifiers: Orphanet 92, MedGen C3495559, MONDO:0011429.

Allele frequency attached by ClinVar (database versions not stated): ExAC 0.00002; TOPMed 0.00005; ESP Exome Variant Server 0.00008.
gnomAD v4.1: 19 of 1,614,090 alleles (0.0012%); highest among the groups gnomAD compares: Non-Finnish European, 0.0015%; no homozygotes.

Submission:

Labcorp Genetics (formerly Invitae), Labcorp
Classification: Uncertain significance. Last evaluated: 2025-08-10. Review status: criteria provided, single submitter. Criteria: Invitae Variant Classification Sherloc (09022015). Collection method: clinical testing. Allele origin: germline.
Comment: This sequence change replaces lysine, which is basic and polar, with threonine, which is neutral and polar, at codon 434 of the SIAE protein (p.Lys434Thr). This variant is present in population databases (rs202195003, gnomAD 0.004%). This variant has not been reported in the literature in individuals affected with SIAE-related conditions. ClinVar contains an entry for this variant (Variation ID: 2140106). An algorithm developed to predict the effect of missense changes on protein structure and function (PolyPhen-2) suggests that this variant is likely to be tolerated. In summary, the available evidence is currently insufficient to determine the role of this variant in disease. Therefore, it has been classified as a Variant of Uncertain Significance.

NM_170601.5(SIAE):c.1301A>C (p.Lys434Thr)

Gene: SIAE (sialic acid acetylesterase; minus strand). Cytogenetic location: 11q24.2.
Variant type: single nucleotide variant.
Coding change: c.1301A>C on transcript NM_170601.5 (MANE Select); coding-DNA position 1301, A replaced by C.
Protein change: p.Lys434Thr; replaces lysine 434 with threonine.
Molecular consequence: missense variant.
Genome position (GRCh38, 1-based): chr11:124,638,561, T>G on the plus strand (A>C on the coding strand, the complement: SIAE is on the minus strand). VCF-style: chr11-124638561-T-G. GRCh37 (hg19) VCF-style: chr11-124508457-T-G.
Other names: c.1196A>C, p.Lys399Thr (NM_001199922.2); c.1301A>C (NM_170601.4); short protein forms K434T, K399T.
Identifiers: ClinVar variation 2140106 (VCV002140106.5), dbSNP rs202195003, ClinGen allele CA6341237.
Genomic context (GRCh38, chr11:124,638,561, plus strand): 5'-ACCACAAAATGAACCCCTGTTTATTCTGCTGTTCTTCTCACCTCAAATATCTTGTTGTCC[T>G]TTTTCTGCACCTGGATTTGCTGGTAATATGTGAGATTGAGCAGCCCCTTGTGAGCCAAGA-3'
Protein context (NP_733746.1, residues 424-444): TYYQQIQVQK[Lys434Thr]DNKIFEISCC